The following is an entry in ClinVar:

NM_018192.4(P3H2):c.677T>A (p.Phe226Tyr)

Gene: P3H2 (prolyl 3-hydroxylase 2; minus strand). Cytogenetic location: 3q28.
Variant type: single nucleotide variant.
Coding change: c.677T>A on transcript NM_018192.4 (MANE Select); coding-DNA position 677, T replaced by A.
Protein change: p.Phe226Tyr; replaces phenylalanine 226 with tyrosine.
Molecular consequence: missense variant.
Genome position (GRCh38, 1-based): chr3:189,994,240, A>T on the plus strand (T>A on the coding strand, the complement: P3H2 is on the minus strand). VCF-style: chr3-189994240-A-T. GRCh37 (hg19) VCF-style: chr3-189712029-A-T.
Other names: c.134T>A, p.Phe45Tyr (NM_001134418.2); short protein forms F226Y, F45Y.
Identifiers: ClinVar variation 1013998 (VCV001013998.5), dbSNP rs1723971398, ClinGen allele CA355759566.
Genomic context (GRCh38, chr3:189,994,240, plus strand): 5'-TCTGTATCTTCAACGAAATATTCTCTTAAGGCTTGTTCGAAGTGCCTGATAGCCATCTCA[A>T]AGTCATCAGCCTCATAATGTTTAACTCCTGCATTGTAACTCTCCTGTAATGAAACAGACG-3'
Protein context (NP_060662.2, residues 216-236): AGVKHYEADD[Phe226Tyr]EMAIRHFEQA

ClinVar aggregate classification (germline): Uncertain significance (1 of 4 stars; one submission).

Allele frequency attached by ClinVar (database versions not stated): gnomAD 0.00001; TOPMed 0.00001.
gnomAD v4.1: 2 of 1,613,716 alleles (0.00012%); highest among the groups gnomAD compares: Admixed American, 0.0033%; no homozygotes.

Submission:

Labcorp Genetics (formerly Invitae), Labcorp
Classification: Uncertain significance. Last evaluated: 2022-08-09. Review status: criteria provided, single submitter. Criteria: Invitae Variant Classification Sherloc (09022015). Collection method: clinical testing. Allele origin: germline.
Comment: This sequence change replaces phenylalanine, which is neutral and non-polar, with tyrosine, which is neutral and polar, at codon 226 of the P3H2 protein (p.Phe226Tyr). This variant is not present in population databases (gnomAD no frequency). This variant has not been reported in the literature in individuals affected with P3H2-related conditions. ClinVar contains an entry for this variant (Variation ID: 1013998). Algorithms developed to predict the effect of missense changes on protein structure and function (SIFT, PolyPhen-2, Align-GVGD) all suggest that this variant is likely to be tolerated. In summary, the available evidence is currently insufficient to determine the role of this variant in disease. Therefore, it has been classified as a Variant of Uncertain Significance.